The following is an entry in ClinVar:

ClinVar aggregate classification (germline): Likely pathogenic. Review status: criteria provided, multiple submitters, no conflicts (2 of 4 stars). 2 submissions from 2 submitters: Likely pathogenic (2). Last evaluated 2025-11-29.

Conditions:
Familial cancer of breast. Also called: Hereditary breast cancer; hereditary breast carcinoma; BREAST CANCER, FAMILIAL. Identifiers: Orphanet 227535, MedGen C0346153, MONDO:0016419, OMIM 114480. Disease mechanism: loss of function.

Submissions (2):

Mayo Clinic Laboratories, Mayo Clinic
Classification: Likely pathogenic. Last evaluated: 2025-11-29. Review status: criteria provided, single submitter. Criteria: ACMG Guidelines, 2015. Collection method: clinical testing. Allele origin: germline. Observed: 1 variant allele.
Comment: PM2_supporting, PVS1

Labcorp Genetics (formerly Invitae), Labcorp
Classification: Likely pathogenic for Familial cancer of breast. Last evaluated: 2025-04-18. Review status: criteria provided, single submitter. Criteria: Invitae Variant Classification Sherloc (09022015). Collection method: clinical testing. Allele origin: germline.
Comment: This variant results in the deletion of part of exon 6 of the PALB2 gene. RNA analysis indicates that this variant induces altered splicing and likely results in a shortened protein product. This variant is not present in population databases (gnomAD no frequency). This variant has not been reported in the literature in individuals affected with PALB2-related conditions. ClinVar contains an entry for this variant (Variation ID: 3671507). Algorithms developed to predict the effect of variants on gene product structure and function are not available or were not evaluated for this variant. Experimental studies have shown that this variant affects PALB2 function (PMID: 26990772, 30890586). Studies have shown that this variant results in skipping of exon 6 , but is expected to preserve the integrity of the reading-frame (internal data). In summary, the currently available evidence indicates that the variant is pathogenic, but additional data are needed to prove that conclusively. Therefore, this variant has been classified as Likely Pathogenic.

Literature cited by the submitters: PubMed 19264984 (cited by Mayo Clinic Laboratories, Mayo Clinic); PubMed 21285249 (cited by Mayo Clinic Laboratories, Mayo Clinic); PubMed 25099575 (cited by Mayo Clinic Laboratories, Mayo Clinic); PubMed 29093764 (cited by Mayo Clinic Laboratories, Mayo Clinic); PubMed 34846068 (cited by Mayo Clinic Laboratories, Mayo Clinic); PubMed 38355628 (cited by Mayo Clinic Laboratories, Mayo Clinic); PubMed 26990772 (cited by Labcorp Genetics (formerly Invitae), Labcorp); PubMed 30890586 (cited by Labcorp Genetics (formerly Invitae), Labcorp).

NM_024675.4(PALB2):c.2515-17_2522del

Gene: PALB2 (partner and localizer of BRCA2; minus strand). Cytogenetic location: 16p12.2.
Variant type: Deletion.
Coding change: c.2515-17_2522del on transcript NM_024675.4 (MANE Select); 17 bases into the intron before coding-DNA position 2515 through coding-DNA position 2522, 25 bases deleted (GACTTTTGTTTTCACAGACTGAAAC).
Molecular consequence: splice acceptor variant. On other transcripts: intron variant (1).
Genome position (GRCh38, 1-based): chr16:23,629,268-23,629,292, GTTTCAGTCTGTGAAAACAAAAGTC deleted on the plus strand (GACTTTTGTTTTCACAGACTGAAAC on the coding strand, the reverse complement: PALB2 is on the minus strand). VCF-style (leftmost placement, unchanged base first): chr16-23629267-TGTTTCAGTCTGTGAAAACAAAAGTC-T. GRCh37 (hg19) VCF-style: chr16-23640588-TGTTTCAGTCTGTGAAAACAAAAGTC-T.
Other names: c.1630-17_1637del (NM_001407308.1, NM_001407306.1, NM_001407307.1 and 5 more transcripts); c.49-17_56del (NM_001407314.1); c.727-17_734del (NM_001407313.1, NM_001407312.1); c.2455-17_2462del (NM_001407296.1); c.2514+348_2514+372del (NM_001407297.1); c.2515-17_2522del (NM_001407302.1, NM_001407298.1, NM_001407300.1 and 2 more transcripts).
Identifiers: ClinVar variation 3671507 (VCV003671507.3).